The following is an entry in ClinVar:

NM_002397.5(MEF2C):c.1101-254C>T

Gene: MEF2C (myocyte enhancer factor 2C; minus strand). Cytogenetic location: 5q14.3.
Variant type: single nucleotide variant.
Coding change: c.1101-254C>T on transcript NM_002397.5 (MANE Select); 254 bases into the intron before coding-DNA position 1101, C replaced by T.
Molecular consequence: intron variant.
Genome position (GRCh38, 1-based): chr5:88,723,179, G>A on the plus strand (C>T on the coding strand, the complement: MEF2C is on the minus strand). VCF-style: chr5-88723179-G-A. GRCh37 (hg19) VCF-style: chr5-88018996-G-A.
Other names: c.1101-254C>T (NM_001364329.2, NM_001364330.2, NM_001193350.2 and 1 more transcripts); c.1077-254C>T (NM_001364333.2, NM_001308002.3); c.957-254C>T (NM_001364344.2); c.723-254C>T (NM_001364353.2); c.1071-254C>T (NM_001131005.2); c.1131-254C>T (NM_001193347.1); c.1101-350C>T (NM_001364334.2, NM_001364335.2, NM_001364337.2 and 2 more transcripts); c.1101-352C>T (NM_001364345.2, NM_001364347.2, NM_001364346.2); and 10 more.
Identifiers: ClinVar variation 672686 (VCV000672686.1), dbSNP rs144445046, ClinGen allele CA122608106.

ClinVar aggregate classification (germline): Likely benign (1 of 4 stars; one submission).

Allele frequency attached by ClinVar (database versions not stated): 1000 Genomes Project 0.00359; 1000 Genomes Project 30x 0.00406; gnomAD 0.00419 and 0.00448; TOPMed 0.00491.
gnomAD v4.1: 632 of 152,254 alleles (0.42%); highest among the groups gnomAD compares: African/African-American, 1.4%; 2 homozygotes.

Submission:

GeneDx
Classification: Likely benign. Last evaluated: 2018-06-14. Review status: criteria provided, single submitter. Criteria: GeneDx Variant Classification (06012015). Collection method: clinical testing. Allele origin: germline. Affected: yes.
Comment: This variant is considered likely benign or benign based on one or more of the following criteria: it is a conservative change, it occurs at a poorly conserved position in the protein, it is predicted to be benign by multiple in silico algorithms, and/or has population frequency not consistent with disease.